The following is an entry in ClinVar:

NM_005138.3(SCO2):c.45_46del (p.Gln16fs)

Genes: NCAPH2 (non-SMC condensin II complex subunit H2; plus strand), SCO2 (synthesis of cytochrome C oxidase 2; minus strand). Cytogenetic location: 22q13.33.
Variant type: Microsatellite.
Coding change: c.45_46del on transcript NM_005138.3 (MANE Select); coding-DNA positions 45 to 46, 2 bases deleted (TC; older notation c.45_46delTC).
Protein change: p.Gln16fs; shifts the reading frame from glutamine 16.
Molecular consequence: frameshift variant. On other transcripts: 3 prime UTR variant (2).
Genome position (GRCh38, 1-based): chr22:50,524,366-50,524,367, GA deleted on the plus strand (TC on the coding strand, the reverse complement: SCO2 is on the minus strand); deleting any 2 consecutive bases within chr22:50,524,366-50,524,372 gives the same sequence; the c. name uses the placement nearest the transcript's 3' end. VCF-style (leftmost placement, unchanged base first): chr22-50524365-TGA-T. GRCh37 (hg19) VCF-style: chr22-50962794-TGA-T.
Other names: c.*992AG[2] (NM_001185011.2, NM_152299.4); c.45_46del, p.Gln16fs (NM_001169109.2, NM_001169110.1, NM_001169111.2); c.45_46del (NM_001169109.1); short protein forms Q16fs.
Identifiers: ClinVar variation 2011646 (VCV002011646.5), dbSNP rs1248665081, ClinGen allele CA640357740.

ClinVar aggregate classification (germline): Pathogenic/Likely pathogenic. Review status: criteria provided, multiple submitters, no conflicts (2 of 4 stars). 3 submissions from 3 submitters: Pathogenic (2); Likely pathogenic (1). Last evaluated 2025-10-23.

Conditions:
Cardioencephalomyopathy, fatal infantile, due to cytochrome c oxidase deficiency 1 (MC4DN2). Also called: MITOCHONDRIAL COMPLEX IV DEFICIENCY, NUCLEAR TYPE 2; CYTOCHROME c OXIDASE DEFICIENCY, FATAL INFANTILE, WITH CARDIOENCEPHALOMYOPATHY. Identifiers: Orphanet 1561, MedGen C5399977, MONDO:0011451, OMIM 604377.

Submissions (3):

Labcorp Genetics (formerly Invitae), Labcorp
Classification: Pathogenic. Last evaluated: 2025-10-23. Review status: criteria provided, single submitter. Criteria: Invitae Variant Classification Sherloc (09022015). Collection method: clinical testing. Allele origin: germline.
Comment: This sequence change creates a premature translational stop signal (p.Gln16Alafs*65) in the SCO2 gene. While this is not anticipated to result in nonsense mediated decay, it is expected to disrupt the last 251 amino acid(s) of the SCO2 protein. This variant is present in population databases (no rsID available, gnomAD 0.006%). This variant has not been reported in the literature in individuals affected with SCO2-related conditions. ClinVar contains an entry for this variant (Variation ID: 2011646). This variant disrupts a region of the SCO2 protein in which other variant(s) (p.Gly193Ser) have been determined to be pathogenic (PMID: 19353847, 29193756, 32600061). This suggests that this is a clinically significant region of the protein, and that variants that disrupt it are likely to be disease-causing. For these reasons, this variant has been classified as Pathogenic.

Department of Child Neurology, National Center Hospital, National Center of Neurology and Psychiatry
Classification: Pathogenic for Cardioencephalomyopathy, fatal infantile, due to cytochrome c oxidase deficiency 1. Last evaluated: 2024-12-16. Review status: criteria provided, single submitter. Criteria: ACMG Guidelines, 2015. Collection method: research. Allele origin: maternal. Inheritance: Autosomal recessive inheritance. Affected: yes. Observed: 1 variant allele.
Comment: The c.45_46del (p.Gln16Alafs*65) is a frameshift mutation predicted to result in nonsense-mediated mRNA decay (NMD). This variant was predicted to be deleterious by multiple in silico tools. Based on the American College of Medical Genetics and Genomics (ACMG) standards and guidelines and recommendations from the ClinGen Sequence Variant Interpretation Working Group, c.45_46del (p.Gln16Alafs*65) was classified as pathogenic (PVS1, PM2_supporting, and PP5_supporting),

Baylor Genetics
Classification: Likely pathogenic for Cardioencephalomyopathy, fatal infantile, due to cytochrome c oxidase deficiency 1. Last evaluated: 2023-09-02. Review status: criteria provided, single submitter. Criteria: ACMG Guidelines, 2015. Collection method: clinical testing. Allele origin: unknown.

Literature cited by the submitters: PubMed 19353847 (cited by Labcorp Genetics (formerly Invitae), Labcorp); PubMed 29193756 (cited by Labcorp Genetics (formerly Invitae), Labcorp); PubMed 32600061 (cited by Labcorp Genetics (formerly Invitae), Labcorp).